The following is an entry in ClinVar:

ClinVar aggregate classification (germline): Uncertain significance (1 of 4 stars; one submission).

gnomAD v4.1: 3 of 1,613,970 alleles (0.00019%); highest among the groups gnomAD compares: South Asian, 0.0022%; no homozygotes.

Submission:

Labcorp Genetics (formerly Invitae), Labcorp
Classification: Uncertain significance. Last evaluated: 2025-10-21. Review status: criteria provided, single submitter. Criteria: Invitae Variant Classification Sherloc (09022015). Collection method: clinical testing. Allele origin: germline.
Comment: This sequence change replaces proline, which is neutral and non-polar, with histidine, which is basic and polar, at codon 224 of the FERMT1 protein (p.Pro224His). This variant is present in population databases (rs752983617, gnomAD 0.003%). This variant has not been reported in the literature in individuals affected with FERMT1-related conditions. ClinVar contains an entry for this variant (Variation ID: 1980990). Invitae Evidence Modeling of protein sequence and biophysical properties (such as structural, functional, and spatial information, amino acid conservation, physicochemical variation, residue mobility, and thermodynamic stability) indicates that this missense variant is not expected to disrupt FERMT1 protein function with a negative predictive value of 80%. In summary, the available evidence is currently insufficient to determine the role of this variant in disease. Therefore, it has been classified as a Variant of Uncertain Significance.

NM_017671.5(FERMT1):c.671C>A (p.Pro224His)

Gene: FERMT1 (FERM domain containing kindlin 1; minus strand). Cytogenetic location: 20p12.3.
Variant type: single nucleotide variant.
Coding change: c.671C>A on transcript NM_017671.5 (MANE Select); coding-DNA position 671, C replaced by A.
Protein change: p.Pro224His; replaces proline 224 with histidine.
Molecular consequence: missense variant.
Genome position (GRCh38, 1-based): chr20:6,110,373, G>T on the plus strand (C>A on the coding strand, the complement: FERMT1 is on the minus strand). VCF-style: chr20-6110373-G-T. GRCh37 (hg19) VCF-style: chr20-6091020-G-T.
Other names: short protein forms P224H.
Identifiers: ClinVar variation 1980990 (VCV001980990.4), dbSNP rs752983617, ClinGen allele CA9758403.